The following is an entry in ClinVar:

ClinVar aggregate classification (germline): Uncertain significance (1 of 4 stars; one submission).

gnomAD v4.1: 3 of 1,614,176 alleles (0.00019%); highest among the groups gnomAD compares: Non-Finnish European, 0.00025%; no homozygotes.

Submission:

Labcorp Genetics (formerly Invitae), Labcorp
Classification: Uncertain significance. Last evaluated: 2024-09-28. Review status: criteria provided, single submitter. Criteria: Invitae Variant Classification Sherloc (09022015). Collection method: clinical testing. Allele origin: germline.
Comment: This sequence change replaces phenylalanine, which is neutral and non-polar, with leucine, which is neutral and non-polar, at codon 435 of the GDF5 protein (p.Phe435Leu). This variant is not present in population databases (gnomAD no frequency). This variant has not been reported in the literature in individuals affected with GDF5-related conditions. ClinVar contains an entry for this variant (Variation ID: 1719189). Invitae Evidence Modeling of protein sequence and biophysical properties (such as structural, functional, and spatial information, amino acid conservation, physicochemical variation, residue mobility, and thermodynamic stability) indicates that this missense variant is expected to disrupt GDF5 protein function with a positive predictive value of 80%. In summary, the available evidence is currently insufficient to determine the role of this variant in disease. Therefore, it has been classified as a Variant of Uncertain Significance.

NM_000557.5(GDF5):c.1305C>G (p.Phe435Leu)

Genes: GDF5 (growth differentiation factor 5; minus strand), GDF5-AS1 (GDF5 antisense RNA 1; plus strand). Cytogenetic location: 20q11.22.
Variant type: single nucleotide variant.
Coding change: c.1305C>G on transcript NM_000557.5 (MANE Select); coding-DNA position 1305, C replaced by G.
Protein change: p.Phe435Leu; replaces phenylalanine 435 with leucine.
Molecular consequence: missense variant. On other transcripts: non-coding transcript variant (1).
Genome position (GRCh38, 1-based): chr20:35,434,110, G>C on the plus strand (C>G on the coding strand, the complement: GDF5 is on the minus strand). VCF-style: chr20-35434110-G-C. GRCh37 (hg19) VCF-style: chr20-34021908-G-C.
Other names: c.1305C>G, p.Phe435Leu (NM_001319138.2); short protein forms F435L.
Identifiers: ClinVar variation 1719189 (VCV001719189.5), dbSNP rs2515418600, ClinGen allele CA408738480.